The following is an entry in ClinVar:

ClinVar aggregate classification (germline): Likely benign (1 of 4 stars; one submission).

Conditions:
NRP1-related disorder. Also called: NRP1-related condition.

gnomAD v4.1: 3 of 1,613,952 alleles (0.00019%); highest among the groups gnomAD compares: African/African-American, 0.004%; no homozygotes.

Submission:

PreventionGenetics, part of Exact Sciences
Classification: Likely benign for NRP1-related condition. Last evaluated: 2025-12-09. Review status: criteria provided, single submitter. Criteria: ACMG Guidelines, 2015. Collection method: clinical testing. Allele origin: germline.
Comment: This variant is classified as likely benign based on ACMG/AMP sequence variant interpretation guidelines (Richards et al. 2015 PMID: 25741868, with internal and published modifications).

NM_003873.7(NRP1):c.1470G>A (p.Gly490=)

Gene: NRP1 (neuropilin 1; minus strand). Cytogenetic location: 10p11.22.
Variant type: single nucleotide variant.
Coding change: c.1470G>A on transcript NM_003873.7 (MANE Select); coding-DNA position 1470, G replaced by A.
Protein change: p.Gly490=; no amino-acid change (glycine 490 retained).
Molecular consequence: synonymous variant. On other transcripts: non-coding transcript variant (1).
Genome position (GRCh38, 1-based): chr10:33,213,530, C>T on the plus strand (G>A on the coding strand, the complement: NRP1 is on the minus strand). VCF-style: chr10-33213530-C-T. GRCh37 (hg19) VCF-style: chr10-33502458-C-T.
Other names: c.1470G>A, p.Gly490= (NM_001024628.3, NM_001024629.3, NM_001244972.2 and 2 more transcripts).
Identifiers: ClinVar variation 4985211 (VCV004985211.1), dbSNP rs267602474.